The following is an entry in ClinVar:

ClinVar aggregate classification (germline): Conflicting classifications of pathogenicity. Review status: criteria provided, conflicting classifications (1 of 4 stars). 3 submissions from 3 submitters: Uncertain significance (1); Likely benign (1). 1 of the submissions does not count toward it. Last evaluated 2026-02-01.

Conditions:
Myasthenic syndrome, congenital, 22 (CMS22). Also called: PREPL DEFICIENCY. Identifiers: MedGen C4479088, MONDO:0044299, OMIM 616224.
PREPL-related disorder. Also called: PREPL-related condition.

Allele frequency attached by ClinVar (database versions not stated): gnomAD 0.00032 and 0.00034; TOPMed 0.00039; ESP Exome Variant Server 0.00046; 1000 Genomes Project 30x 0.00109; 1000 Genomes Project 0.00120.

Submissions (3):

Labcorp Genetics (formerly Invitae), Labcorp
Classification: Likely benign for Myasthenic syndrome, congenital, 22. Last evaluated: 2026-02-01. Review status: criteria provided, single submitter. Criteria: Invitae Variant Classification Sherloc (09022015). Collection method: clinical testing. Allele origin: germline.

Fulgent Genetics
Classification: Uncertain significance for Myasthenic syndrome, congenital, 22. Last evaluated: 2024-06-11. Review status: criteria provided, single submitter. Criteria: ACMG Guidelines, 2015. Collection method: clinical testing. Allele origin: germline.

PreventionGenetics, part of Exact Sciences
Classification: Likely benign for PREPL-related condition. Last evaluated: 2020-04-24. Review status: no assertion criteria provided. Collection method: clinical testing. Allele origin: germline. Not counted in ClinVar's aggregate classification.
Comment: This variant is classified as likely benign based on ACMG/AMP sequence variant interpretation guidelines (Richards et al. 2015 PMID: 25741868, with internal and published modifications).

NM_001171613.2(PREPL):c.1135G>C (p.Asp379His)

Gene: PREPL (prolyl endopeptidase like; minus strand). Cytogenetic location: 2p21.
Variant type: single nucleotide variant.
Coding change: c.1135G>C on transcript NM_001171613.2 (MANE Select); coding-DNA position 1135, G replaced by C.
Protein change: p.Asp379His; replaces aspartic acid 379 with histidine.
Molecular consequence: missense variant.
Genome position (GRCh38, 1-based): chr2:44,329,064, C>G on the plus strand (G>C on the coding strand, the complement: PREPL is on the minus strand). VCF-style: chr2-44329064-C-G. GRCh37 (hg19) VCF-style: chr2-44556203-C-G.
Other names: c.1402G>C, p.Asp468His (NM_006036.4, NM_001171603.1, NM_001171606.2 and 2 more transcripts); c.1216G>C, p.Asp406His (NM_001042385.2); c.1204G>C, p.Asp402His (NM_001042386.2); c.1135G>C, p.Asp379His (NM_001171617.1, NM_001374277.1); short protein forms D379H, D402H, D406H, D468H.
Identifiers: ClinVar variation 704492 (VCV000704492.14), dbSNP rs140165185, ClinGen allele CA1641218.